The following is an entry in ClinVar:

ClinVar aggregate classification (germline): Uncertain significance (1 of 4 stars; one submission).

Conditions:
Beckwith-Wiedemann syndrome (BWS). Also called: Exomphalos macroglossia gigantism syndrome; EMG SYNDROME. Identifiers: Orphanet 116, MedGen C0004903, MONDO:0007534, OMIM 130650.

Allele frequency attached by ClinVar (database versions not stated): gnomAD exomes 0.00003.

Submission:

Labcorp Genetics (formerly Invitae), Labcorp
Classification: Uncertain significance for Beckwith-Wiedemann syndrome. Last evaluated: 2019-09-10. Review status: criteria provided, single submitter. Criteria: Invitae Variant Classification Sherloc (09022015). Collection method: clinical testing. Allele origin: germline.
Comment: The frequency data for this variant in the population databases is considered unreliable, as metrics indicate insufficient coverage at this position in the ExAC database. This sequence change replaces alanine with threonine at codon 132 of the CDKN1C protein (p.Ala132Thr). The alanine residue is moderately conserved and there is a small physicochemical difference between alanine and threonine. In summary, the available evidence is currently insufficient to determine the role of this variant in disease. Therefore, it has been classified as a Variant of Uncertain Significance. Algorithms developed to predict the effect of missense changes on protein structure and function (SIFT, PolyPhen-2, Align-GVGD) all suggest that this variant is likely to be tolerated, but these predictions have not been confirmed by published functional studies and their clinical significance is uncertain. This variant has not been reported in the literature in individuals with CDKN1C-related conditions.

NM_001122630.2(CDKN1C):c.361G>A (p.Ala121Thr)

Gene: CDKN1C (cyclin dependent kinase inhibitor 1C; minus strand). Cytogenetic location: 11p15.4.
Variant type: single nucleotide variant.
Coding change: c.361G>A on transcript NM_001122630.2 (MANE Select); coding-DNA position 361, G replaced by A.
Protein change: p.Ala121Thr; replaces alanine 121 with threonine.
Molecular consequence: missense variant. On other transcripts: intron variant (1).
Genome position (GRCh38, 1-based): chr11:2,885,096, C>T on the plus strand (G>A on the coding strand, the complement: CDKN1C is on the minus strand). VCF-style: chr11-2885096-C-T. GRCh37 (hg19) VCF-style: chr11-2906326-C-T.
Other names: c.394G>A, p.Ala132Thr (NM_000076.2, NM_001362474.2); c.361G>A, p.Ala121Thr (NM_001122631.2); c.255+106G>A (NM_001362475.2); short protein forms A132T, A121T.
Identifiers: ClinVar variation 937213 (VCV000937213.9), dbSNP rs1479013685, ClinGen allele CA379146787.
Genomic context (GRCh38, chr11:2,885,096, plus strand): 5'-GGACTGGGGGCGGGGTGGACGCCGGGGCCGGGACCGGGACACTAGGCAGCTGCTCCGGCG[C>T]CTCCTCGAGGCCGTCGAGGGACTCAGCGGCCGGCTCGAGGGGCGGGCTGACAGCCACCGC-3'
Protein context (NP_001116102.1, residues 111-131): AAESLDGLEE[Ala121Thr]PEQLPSVPVP